The following is an entry in ClinVar:

NC_000023.10:g.(?_123499639)_(123506985_?)del

Gene: SH2D1A (SH2 domain containing 1A; plus strand). Cytogenetic location: Xq25.
Variant type: Deletion.
Identifiers: ClinVar variation 3245003 (VCV003245003.1).

ClinVar aggregate classification (germline): Likely pathogenic (1 of 4 stars; one submission).

Conditions:
X-linked lymphoproliferative disease due to SH2D1A deficiency (XLP1). Also called: SH2D1A-Related Lymphoproliferative Disease, X-Linked; EBV infection severe susceptibility to; Epstein Barr virus infection familial fatal; Duncan's syndrome; DUNCAN DISEASE; IMMUNODEFICIENCY 5. Identifiers: Orphanet 2442, Orphanet 538931, MedGen C5399825, MONDO:0024551, OMIM 308240.

Submission:

Labcorp Genetics (formerly Invitae), Labcorp
Classification: Likely pathogenic for X-linked lymphoproliferative disease due to SH2D1A deficiency. Last evaluated: 2018-06-11. Review status: criteria provided, single submitter. Criteria: Invitae Variant Classification Sherloc (09022015). Collection method: clinical testing. Allele origin: unknown.
Comment: This variant has not been reported in the literature in individuals with SH2D1A-related disease. In summary, the currently available evidence indicates that the variant is pathogenic, but additional data are needed to prove that conclusively. Therefore, this variant has been classified as Likely Pathogenic. Gross deletions of exons 3, exons 2-4, and exons 3-4 have been observed in individuals and families with X-linked lymphoproliferative disease (PMID:¬†11049992,¬†12356686,¬†21119115). Therefore, deletions that fully encompass these regions are also expected to be causative of disease. This variant is a gross deletion of the genomic region encompassing exons 3-4 and part of exon 2 (c.166_*1744del) of the SH2D1A gene. While this deletion is not anticipated to result in nonsense mediated decay, it is expected to create a truncated protein product or disrupt mRNA translation.